The following is an entry in ClinVar:

ClinVar aggregate classification (germline): Uncertain significance. Review status: criteria provided, multiple submitters, no conflicts (2 of 4 stars). 3 submissions from 3 submitters: Uncertain significance (3). Last evaluated 2023-08-19.

Conditions:
Inborn genetic diseases. Identifiers: MedGen C0950123, MeSH D030342.

Allele frequency attached by ClinVar (database versions not stated): gnomAD exomes below 0.00001; ExAC 0.00001; TOPMed 0.00001; gnomAD 0.00002; ESP Exome Variant Server 0.00008.
gnomAD v4.1: 5 of 1,612,718 alleles (0.00031%); highest among the groups gnomAD compares: African/African-American, 0.004%; no homozygotes.

Submissions (3):

Ambry Genetics
Classification: Uncertain significance for Inborn genetic diseases. Last evaluated: 2023-08-19. Review status: criteria provided, single submitter. Criteria: Ambry Variant Classification Scheme 2023. Collection method: clinical testing. Allele origin: germline.

Labcorp Genetics (formerly Invitae), Labcorp
Classification: Uncertain significance. Last evaluated: 2022-06-27. Review status: criteria provided, single submitter. Criteria: Invitae Variant Classification Sherloc (09022015). Collection method: clinical testing. Allele origin: germline.
Comment: This sequence change replaces glutamic acid, which is acidic and polar, with glutamine, which is neutral and polar, at codon 478 of the PNPT1 protein (p.Glu478Gln). This variant is present in population databases (rs146990953, gnomAD 0.004%). This variant has not been reported in the literature in individuals affected with PNPT1-related conditions. Advanced modeling of protein sequence and biophysical properties (such as structural, functional, and spatial information, amino acid conservation, physicochemical variation, residue mobility, and thermodynamic stability) performed at Invitae indicates that this missense variant is expected to disrupt PNPT1 protein function. In summary, the available evidence is currently insufficient to determine the role of this variant in disease. Therefore, it has been classified as a Variant of Uncertain Significance.

Blueprint Genetics
Classification: Uncertain significance. Last evaluated: 2020-06-04. Review status: criteria provided, single submitter. Criteria: ACMG Guidelines, 2015. Collection method: clinical testing. Allele origin: germline.

NM_033109.5(PNPT1):c.1432G>C (p.Glu478Gln)

Gene: PNPT1 (polyribonucleotide nucleotidyltransferase 1; minus strand). Cytogenetic location: 2p16.1.
Variant type: single nucleotide variant.
Coding change: c.1432G>C on transcript NM_033109.5 (MANE Select); coding-DNA position 1432, G replaced by C.
Protein change: p.Glu478Gln; replaces glutamic acid 478 with glutamine.
Molecular consequence: missense variant.
Genome position (GRCh38, 1-based): chr2:55,656,140, C>G on the plus strand (G>C on the coding strand, the complement: PNPT1 is on the minus strand). VCF-style: chr2-55656140-C-G. GRCh37 (hg19) VCF-style: chr2-55883275-C-G.
Other names: c.1432G>C (NM_033109.3); short protein forms E478Q.
Identifiers: ClinVar variation 1402821 (VCV001402821.7), dbSNP rs146990953, ClinGen allele CA1668089.